The following is an entry in ClinVar:

NM_000264.5(PTCH1):c.3952C>G (p.Pro1318Ala)

Gene: PTCH1 (patched 1; minus strand). Cytogenetic location: 9q22.32.
Variant type: single nucleotide variant.
Coding change: c.3952C>G on transcript NM_000264.5 (MANE Select); coding-DNA position 3952, C replaced by G.
Protein change: p.Pro1318Ala; replaces proline 1318 with alanine.
Molecular consequence: missense variant. On other transcripts: non-coding transcript variant (1).
Genome position (GRCh38, 1-based): chr9:95,447,304, G>C on the plus strand (C>G on the coding strand, the complement: PTCH1 is on the minus strand). VCF-style: chr9-95447304-G-C. GRCh37 (hg19) VCF-style: chr9-98209586-G-C.
Other names: c.3754C>G, p.Pro1252Ala (NM_001083602.3); c.3949C>G, p.Pro1317Ala (NM_001083603.3); c.3499C>G, p.Pro1167Ala (NM_001083604.3, NM_001083605.3, NM_001083606.3 and 1 more transcripts); c.3796C>G, p.Pro1266Ala (NM_001354918.2); short protein forms P1167A, P1252A, P1266A, P1317A, P1318A.
Identifiers: ClinVar variation 4688212 (VCV004688212.1).

ClinVar aggregate classification (germline): Uncertain significance (1 of 4 stars; one submission).

Submission:

Women's Health and Genetics/Laboratory Corporation of America, LabCorp
Classification: Uncertain significance. Last evaluated: 2025-12-30. Review status: criteria provided, single submitter. Criteria: LabCorp Variant Classification Summary - May 2015. Collection method: clinical testing. Allele origin: germline.
Comment: Variant summary: PTCH1 c.3952C>G (p.Pro1318Ala) results in a non-conservative amino acid change in the encoded protein sequence. Algorithms developed to predict the effect of missense changes on protein structure and function all suggest that this variant is likely to be disruptive. The variant was absent in 246130 control chromosomes. The available data on variant occurrences in the general population are insufficient to allow any conclusion about variant significance. To our knowledge, no occurrence of c.3952C>G in individuals affected with PTCH1-related conditions and no experimental evidence demonstrating its impact on protein function have been reported. No submitters have cited clinical-significance assessments for this variant to ClinVar. Based on the evidence outlined above, the variant was classified as uncertain significance.